The following is an entry in ClinVar:

ClinVar aggregate classification (germline): Uncertain significance (1 of 4 stars; one submission).

Conditions:
Familial cancer of breast. Also called: BREAST CANCER, FAMILIAL; hereditary breast carcinoma; Hereditary breast cancer. Identifiers: Orphanet 227535, MedGen C0346153, MONDO:0016419, OMIM 114480. Disease mechanism: loss of function.

Submission:

Labcorp Genetics (formerly Invitae), Labcorp
Classification: Uncertain significance for Familial cancer of breast. Last evaluated: 2025-12-20. Review status: criteria provided, single submitter. Criteria: Invitae Variant Classification Sherloc (09022015). Collection method: clinical testing. Allele origin: germline.
Comment: This sequence change replaces cysteine, which is neutral and slightly polar, with serine, which is neutral and polar, at codon 653 of the PALB2 protein (p.Cys653Ser). This variant is not present in population databases (gnomAD no frequency). This variant has not been reported in the literature in individuals affected with PALB2-related conditions. ClinVar contains an entry for this variant (Variation ID: 661805). Invitae Evidence Modeling of protein sequence and biophysical properties (such as structural, functional, and spatial information, amino acid conservation, physicochemical variation, residue mobility, and thermodynamic stability) indicates that this missense variant is not expected to disrupt PALB2 protein function with a negative predictive value of 80%. In summary, the available evidence is currently insufficient to determine the role of this variant in disease. Therefore, it has been classified as a Variant of Uncertain Significance.

NM_024675.4(PALB2):c.1958G>C (p.Cys653Ser)

Gene: PALB2 (partner and localizer of BRCA2; minus strand). Cytogenetic location: 16p12.2.
Variant type: single nucleotide variant.
Coding change: c.1958G>C on transcript NM_024675.4 (MANE Select); coding-DNA position 1958, G replaced by C.
Protein change: p.Cys653Ser; replaces cysteine 653 with serine.
Molecular consequence: missense variant.
Genome position (GRCh38, 1-based): chr16:23,630,196, C>G on the plus strand (G>C on the coding strand, the complement: PALB2 is on the minus strand). VCF-style: chr16-23630196-C-G. GRCh37 (hg19) VCF-style: chr16-23641517-C-G.
Other names: short protein forms C653S.
Identifiers: ClinVar variation 661805 (VCV000661805.9), dbSNP rs771246748, ClinGen allele CA395127367.